The following is an entry in ClinVar:

ClinVar aggregate classification (germline): Benign. Review status: criteria provided, multiple submitters, no conflicts (2 of 4 stars). 2 submissions from 2 submitters: Benign (2). Last evaluated 2018-01-13.

Conditions:
Methylmalonic aciduria, cblB type (MACB). Also called: Vitamin B12-responsive methylmalonic acidemia type cblB; METHYLMALONIC ACIDURIA, VITAMIN B12-RESPONSIVE, DUE TO DEFECT IN SYNTHESIS OF ADENOSYLCOBALAMIN, cblB TYPE; Methylmalonic acidemia cblB type. Identifiers: Orphanet 28, Orphanet 79311, MedGen C1855102, MONDO:0009614, OMIM 251110.

Allele frequency attached by ClinVar (database versions not stated): ExAC 0.01895; gnomAD exomes 0.04548 and 0.02995; TOPMed 0.10000; 1000 Genomes Project 0.11202; 1000 Genomes Project 30x 0.11430; gnomAD 0.08628 and 0.09002.

Submissions (2):

Illumina Laboratory Services, Illumina
Classification: Benign for Methylmalonic aciduria, cblB type. Last evaluated: 2018-01-13. Review status: criteria provided, single submitter. Criteria: ICSL Variant Classification Criteria 13 December 2019. Collection method: clinical testing. Allele origin: germline.
Comment: This variant was observed in the ICSL laboratory as part of a predisposition screen in an ostensibly healthy population. It had not been previously curated by ICSL or reported in the Human Gene Mutation Database (HGMD: prior to June 1st, 2018), and was therefore a candidate for classification through an automated scoring system. Utilizing variant allele frequency, disease prevalence and penetrance estimates, and inheritance mode, an automated score was calculated to assess if this variant is too frequent to cause the disease. Based on the score and internal cut-off values, a variant classified as benign is not then subjected to further curation. The score for this variant resulted in a classification of benign for this disease.

Breakthrough Genomics
Classification: Benign. Review status: criteria provided, single submitter. Criteria: ACMG Guidelines, 2015. Collection method: not provided. Allele origin: germline. Inheritance: Autosomal recessive inheritance. Affected: yes.

NM_052845.4(MMAB):c.*721T>G

Gene: MMAB (metabolism of cobalamin associated B; minus strand). Cytogenetic location: 12q24.11.
Variant type: single nucleotide variant.
Coding change: c.*721T>G on transcript NM_052845.4 (MANE Select); 721 bases downstream of the stop codon, T replaced by G.
Molecular consequence: 3 prime UTR variant. On other transcripts: non-coding transcript variant (1).
Genome position (GRCh38, 1-based): chr12:109,556,307, A>C on the plus strand (T>G on the coding strand, the complement: MMAB is on the minus strand). VCF-style: chr12-109556307-A-C. GRCh37 (hg19) VCF-style: chr12-109994112-A-C.
Identifiers: ClinVar variation 307049 (VCV000307049.6), dbSNP rs11831226, ClinGen allele CA6778662.